The following is an entry in ClinVar:

NC_012920.1(MT-TY):m.5839C>T

Gene: MT-TY (mitochondrially encoded tRNA tyrosine; minus strand).
Variant type: single nucleotide variant.
Genome position: chrM-5839-C-T.
Identifiers: ClinVar variation 690011 (VCV000690011.1), dbSNP rs1603220148, ClinGen allele CA913180622.

ClinVar aggregate classification (germline): Benign (1 of 4 stars; one submission).

Conditions:
MELAS syndrome (MELAS). Also called: Juvenile myopathy, encephalopathy, lactic acidosis, stroke. Identifiers: Orphanet 550, MedGen C0162671, MONDO:0010789, OMIM 540000.

Submission:

Wong Mito Lab, Molecular and Human Genetics, Baylor College of Medicine
Classification: Benign for MELAS syndrome. Last evaluated: 2019-07-12. Review status: criteria provided, single submitter. Criteria: Modified ACMG Guidelines (Unpublished). Collection method: clinical testing. Allele origin: germline.
Comment: The NC_012920.1:m.5839C>T variant in MT-TY gene is interpreted to be a Benign variant based on the modified ACMG guidelines (unpublished). This variant meets the following evidence codes reported in the guidelines: BS1, BS4, BP4

Literature cited by the submitters: PubMed 31965079.